The following is an entry in ClinVar:

ClinVar aggregate classification (germline): Uncertain significance (1 of 4 stars; one submission).

Conditions:
Dilated cardiomyopathy 1G (CMD1G). Identifiers: Orphanet 154, MedGen C1858763, MONDO:0011400, OMIM 604145.
Autosomal recessive limb-girdle muscular dystrophy type 2J (LGMDR10). Also called: Limb-girdle muscular dystrophy, type 2J; MUSCULAR DYSTROPHY, LIMB-GIRDLE, AUTOSOMAL RECESSIVE 10. Identifiers: Orphanet 140922, MedGen C1837342, MONDO:0012127, OMIM 608807.

Allele frequency attached by ClinVar (database versions not stated): gnomAD exomes below 0.00001; TOPMed below 0.00001.
gnomAD v4.1: 2 of 1,613,946 alleles (0.00012%); highest among the groups gnomAD compares: Non-Finnish European, 0.00017%; no homozygotes.

Submission:

Labcorp Genetics (formerly Invitae), Labcorp
Classification: Uncertain significance for Dilated cardiomyopathy 1G; Autosomal recessive limb-girdle muscular dystrophy type 2J. Last evaluated: 2024-06-30. Review status: criteria provided, single submitter. Criteria: Invitae Variant Classification Sherloc (09022015). Collection method: clinical testing. Allele origin: germline.
Comment: This sequence change replaces aspartic acid, which is acidic and polar, with asparagine, which is neutral and polar, at codon 34198 of the TTN protein (p.Asp34198Asn). This variant is not present in population databases (gnomAD no frequency). This variant has not been reported in the literature in individuals affected with TTN-related conditions. ClinVar contains an entry for this variant (Variation ID: 404784). Experimental studies and prediction algorithms are not available or were not evaluated, and the functional significance of this variant is currently unknown. This variant is located in the M band of TTN (PMID: 25589632). Non-truncating variants in this region may be relevant for neuromuscular disorders, but have not been definitively shown to cause cardiomyopathy (PMID: 23975875). In summary, the available evidence is currently insufficient to determine the role of this variant in disease. Therefore, it has been classified as a Variant of Uncertain Significance.

Literature cited by the submitters: PubMed 25589632; PubMed 23975875.

NM_001267550.2(TTN):c.102592G>A (p.Asp34198Asn)

Genes: TTN (titin; minus strand), TTN-AS1 (TTN antisense RNA 1; plus strand). Cytogenetic location: 2q31.2.
Variant type: single nucleotide variant.
Coding change: c.102592G>A on transcript NM_001267550.2 (MANE Select); coding-DNA position 102592, G replaced by A.
Protein change: p.Asp34198Asn; replaces aspartic acid 34198 with asparagine.
Molecular consequence: missense variant.
Genome position (GRCh38, 1-based): chr2:178,534,023, C>T on the plus strand (G>A on the coding strand, the complement: TTN is on the minus strand). VCF-style: chr2-178534023-C-T. GRCh37 (hg19) VCF-style: chr2-179398750-C-T.
Other names: c.97669G>A, p.Asp32557Asn (NM_001256850.1); c.75397G>A, p.Asp25133Asn (NM_003319.4); c.94888G>A, p.Asp31630Asn (NM_133378.4); c.75772G>A, p.Asp25258Asn (NM_133432.3); c.75973G>A, p.Asp25325Asn (NM_133437.4); short protein forms D34198N, D25325N, D31630N, D32557N, D25133N, D25258N.
Identifiers: ClinVar variation 404784 (VCV000404784.7), dbSNP rs948836784, ClinGen allele CA16610298.